The following is an entry in ClinVar:

NM_005732.4(RAD50):c.832C>T (p.Arg278Ter)

Gene: RAD50 (RAD50 double strand break repair protein; plus strand). Cytogenetic location: 5q31.1.
Variant type: single nucleotide variant.
Coding change: c.832C>T on transcript NM_005732.4 (MANE Select); coding-DNA position 832, C replaced by T.
Protein change: p.Arg278Ter; replaces arginine 278 with a stop codon.
Molecular consequence: nonsense.
Genome position (GRCh38, 1-based): chr5:132,587,637, C>T. VCF-style: chr5-132587637-C-T. GRCh37 (hg19) VCF-style: chr5-131923329-C-T.
Other names: short protein forms R278*.
Identifiers: ClinVar variation 408402 (VCV000408402.20), dbSNP rs766315644, ClinGen allele CA3405042.
Genomic context (GRCh38, chr5:132,587,637, plus strand): 5'-ATTGAACATAATCTCTCTAAAATAATGAAACTTGACAATGAAATTAAAGCCTTGGATAGC[C>T]GAAAGAAGCAAATGGAGAAAGATAATAGTGAACTGGAAGAGAAAATGGAAAAGGTTTGTG-3'

ClinVar aggregate classification (germline): Pathogenic. Review status: criteria provided, multiple submitters, no conflicts (2 of 4 stars). 4 submissions from 4 submitters: Pathogenic (4). Last evaluated 2025-11-10.

Conditions:
RAD50-related disorder. Also called: RAD50-related condition.
Hereditary cancer-predisposing syndrome. Also called: Neoplastic Syndromes, Hereditary; Tumor predisposition; Hereditary Cancer Syndrome; Hereditary neoplastic syndrome. Identifiers: Orphanet 140162, MedGen C0027672, MeSH D009386, MONDO:0015356.
Nijmegen breakage syndrome-like disorder (NBSLD). Also called: MICROCEPHALY AND SPONTANEOUS CHROMOSOME INSTABILITY WITHOUT IMMUNODEFICIENCY; NBS-LIKE DISORDER; RAD50 DEFICIENCY. Identifiers: Orphanet 240760, MedGen C2751318, MONDO:0013118, OMIM 613078.

Allele frequency attached by ClinVar (database versions not stated): ExAC 0.00002; gnomAD 0.00002; TOPMed 0.00002; gnomAD exomes 0.00003 and 0.00004.
gnomAD v4.1: 51 of 1,613,250 alleles (0.0032%); highest among the groups gnomAD compares: Admixed American, 0.013%; no homozygotes.

Submissions (4):

Labcorp Genetics (formerly Invitae), Labcorp
Classification: Pathogenic for Hereditary cancer-predisposing syndrome. Last evaluated: 2025-11-10. Review status: criteria provided, single submitter. Criteria: Invitae Variant Classification Sherloc (09022015). Collection method: clinical testing. Allele origin: germline.
Comment: This sequence change creates a premature translational stop signal (p.Arg278*) in the RAD50 gene. It is expected to result in an absent or disrupted protein product. Loss-of-function variants in RAD50 are known to be pathogenic (PMID: 19409520). This variant is present in population databases (rs766315644, gnomAD 0.01%). This premature translational stop signal has been observed in individual(s) with breast cancer (PMID: 25452441). ClinVar contains an entry for this variant (Variation ID: 408402). For these reasons, this variant has been classified as Pathogenic.

PreventionGenetics, part of Exact Sciences
Classification: Pathogenic for RAD50-related condition. Last evaluated: 2024-10-23. Review status: criteria provided, single submitter. Criteria: ACMG Guidelines, 2015. Collection method: clinical testing. Allele origin: germline.
Comment: The RAD50 c.832C>T variant is predicted to result in premature protein termination (p.Arg278*). This variant has been reported in individuals with breast cancer (Table S2, Couch et al. 2015. PubMed ID: 25452441), ovarian cancer (Table S7, Lilyquist et al. 2017. PubMed ID: 28888541), exocrine pancreatic neoplasm (Lowery et al. 2018. PubMed ID: 29506128), and an individual with prostate cancer (Table S1, Nguyen-Dumont et al. 2020. PubMed ID: 32338768). This variant is reported in 0.012% of alleles in individuals of Latino descent in gnomAD and is interpreted as pathogenic in ClinVar. Nonsense variants in RAD50 are expected to be pathogenic. This variant is interpreted as pathogenic.

Baylor Genetics
Classification: Pathogenic for Nijmegen breakage syndrome-like disorder. Last evaluated: 2023-09-26. Review status: criteria provided, single submitter. Criteria: ACMG Guidelines, 2015. Collection method: clinical testing. Allele origin: unknown.

Ambry Genetics
Classification: Pathogenic for Hereditary cancer-predisposing syndrome. Last evaluated: 2023-04-28. Review status: criteria provided, single submitter. Criteria: Ambry Variant Classification Scheme 2023. Collection method: clinical testing. Allele origin: germline.
Comment: The p.R278* pathogenic mutation (also known as c.832C>T), located in coding exon 6 of the RAD50 gene, results from a C to T substitution at nucleotide position 832. This changes the amino acid from an arginine to a stop codon within coding exon 6. This mutation has been detected in 1/1824 patients with triple negative breast cancer who were unselected for a family history of breast or ovarian cancer (Couch FJ et al. J. Clin. Oncol. 2015 Feb;33:304-11) as well as 1/615 unselected patients with a pancreatic exocrine neoplasm (Lower MA et al. J. Natl. Cancer Inst. 2018 Oct;110(10):1067-1074). In addition to the clinical data presented in the literature, this alteration is expected to result in loss of function by premature protein truncation or nonsense-mediated mRNA decay. As such, this alteration is interpreted as a disease-causing mutation.

Literature cited by the submitters: PubMed 19409520 (cited by Labcorp Genetics (formerly Invitae), Labcorp); PubMed 25452441 (cited by Labcorp Genetics (formerly Invitae), Labcorp and Ambry Genetics).